The following is an entry in ClinVar:

NC_000011.9:g.(?_1278740)_(2906719_?)dup

Genes: TH (tyrosine hydroxylase; minus strand), TNNI2 (troponin I2, fast skeletal type; plus strand), ASCL2 (achaete-scute family bHLH transcription factor 2; minus strand), MUC5B (mucin 5B, oligomeric mucus/gel-forming; plus strand), SYT8 (synaptotagmin 8; plus strand) and 29 more. Cytogenetic location: 11p15.5-15.4.
Variant type: Duplication.
Identifiers: ClinVar variation 2427669 (VCV002427669.5).

ClinVar aggregate classification (germline): Uncertain significance (1 of 4 stars; one submission).

Conditions:
TH-deficient dopa-responsive dystonia. Also called: Tyrosine Hydroxylase-Deficient Dopa-Responsive Dystonia; Segawa syndrome, autosomal recessive; DYT-TH. Identifiers: Orphanet 101150, MedGen C2673535, MONDO:0011551, OMIM 605407.

Submission:

Labcorp Genetics (formerly Invitae), Labcorp
Classification: Uncertain significance for TH-deficient dopa-responsive dystonia. Last evaluated: 2022-06-13. Review status: criteria provided, single submitter. Criteria: Invitae Variant Classification Sherloc (09022015). Collection method: clinical testing. Allele origin: germline.
Comment: A copy number gain of the genomic region encompassing the full coding sequence of the TH gene has been identified. The boundaries of this event are unknown as they extend beyond the assayed region for this gene and therefore may encompass additional genes. As the precise location of this event is unknown, it may be in tandem or it may be located elsewhere in the genome. This variant has not been reported in the literature in individuals affected with TH-related conditions. In summary, the available evidence is currently insufficient to determine the role of this variant in disease. Therefore, it has been classified as a Variant of Uncertain Significance.